The following is an entry in ClinVar:

NM_007186.6(CEP250):c.3616G>C (p.Gly1206Arg)

Gene: CEP250 (centrosomal protein 250; plus strand). Cytogenetic location: 20q11.22.
Variant type: single nucleotide variant.
Coding change: c.3616G>C on transcript NM_007186.6 (MANE Select); coding-DNA position 3616, G replaced by C.
Protein change: p.Gly1206Arg; replaces glycine 1206 with arginine.
Molecular consequence: missense variant.
Genome position (GRCh38, 1-based): chr20:35,498,028, G>C. VCF-style: chr20-35498028-G-C. GRCh37 (hg19) VCF-style: chr20-34085857-G-C.
Other names: c.1720G>C, p.Gly574Arg (NM_001318219.1); c.3616G>C (NM_007186.4); short protein forms G574R, G1206R.
Identifiers: ClinVar variation 967555 (VCV000967555.10), dbSNP rs377013576, ClinGen allele CA9833505.

ClinVar aggregate classification (germline): Uncertain significance. Review status: criteria provided, multiple submitters, no conflicts (2 of 4 stars). 4 submissions from 4 submitters: Uncertain significance (4). Last evaluated 2026-08-13.

Conditions:
CEP250-related disorder. Also called: CEP250-related condition.

Allele frequency attached by ClinVar (database versions not stated): TOPMed 0.00002; ESP Exome Variant Server 0.00008.
gnomAD v4.1: 120 of 1,598,322 alleles (0.0075%); highest among the groups gnomAD compares: Non-Finnish European, 0.0074%; no homozygotes.

Submissions (4):

PreventionGenetics, part of Exact Sciences
Classification: Uncertain significance for CEP250-related condition. Last evaluated: 2026-08-13. Review status: criteria provided, single submitter. Criteria: ACMG Guidelines, 2015. Collection method: clinical testing. Allele origin: germline.
Comment: The CEP250 c.3616G>C variant is predicted to result in the amino acid substitution p.Gly1206Arg. To our knowledge, this variant has not been reported in the literature. This variant is reported in 0.091% of alleles in individuals of Ashkenazi Jewish descent in gnomAD. Although we suspect that this variant may be benign, at this time, the clinical significance of this variant is uncertain due to the absence of conclusive functional and genetic evidence.

Blueprint Genetics
Classification: Uncertain significance. Last evaluated: 2024-02-08. Review status: criteria provided, single submitter. Criteria: ACMG Guidelines, 2015. Collection method: clinical testing. Allele origin: germline.

GeneDx
Classification: Uncertain significance. Last evaluated: 2023-12-13. Review status: criteria provided, single submitter. Criteria: GeneDx Variant Classification Process June 2021. Collection method: clinical testing. Allele origin: germline. Affected: yes.
Comment: In silico analysis supports that this missense variant does not alter protein structure/function; Has not been previously published as pathogenic or benign to our knowledge

Labcorp Genetics (formerly Invitae), Labcorp
Classification: Uncertain significance. Last evaluated: 2022-04-06. Review status: criteria provided, single submitter. Criteria: Invitae Variant Classification Sherloc (09022015). Collection method: clinical testing. Allele origin: germline.
Comment: This sequence change replaces glycine, which is neutral and non-polar, with arginine, which is basic and polar, at codon 1206 of the CEP250 protein (p.Gly1206Arg). This variant is present in population databases (rs377013576, gnomAD 0.09%). This variant has not been reported in the literature in individuals affected with CEP250-related conditions. ClinVar contains an entry for this variant (Variation ID: 967555). Algorithms developed to predict the effect of missense changes on protein structure and function are either unavailable or do not agree on the potential impact of this missense change (SIFT: "Not Available"; PolyPhen-2: "Benign"; Align-GVGD: "Not Available"). In summary, the available evidence is currently insufficient to determine the role of this variant in disease. Therefore, it has been classified as a Variant of Uncertain Significance.